The following is an entry in ClinVar:

NM_001165963.4(SCN1A):c.1170+3G>A

Gene: SCN1A (sodium voltage-gated channel alpha subunit 1; minus strand). Cytogenetic location: 2q24.3.
Variant type: single nucleotide variant.
Coding change: c.1170+3G>A on transcript NM_001165963.4 (MANE Select); 3 bases into the intron after coding-DNA position 1170, G replaced by A.
Molecular consequence: intron variant.
Genome position (GRCh38, 1-based): chr2:166,047,624, C>T on the plus strand (G>A on the coding strand, the complement: SCN1A is on the minus strand). VCF-style: chr2-166047624-C-T. GRCh37 (hg19) VCF-style: chr2-166904134-C-T.
Other names: c.1170+3G>A (NM_001353949.2, NM_001353958.2, NM_001353950.2 and 10 more transcripts); c.-1256+3G>A (NM_001353961.2).
Identifiers: ClinVar variation 845034 (VCV000845034.8), dbSNP rs1289808926, ClinGen allele CA760183359.

ClinVar aggregate classification (germline): Uncertain significance (1 of 4 stars; one submission).

Conditions:
Early-infantile DEE. Also called: Ohtahara syndrome; Early infantile epileptic encephalopathy with suppression bursts; Early infantile epileptic encephalopathy. Identifiers: Orphanet 1934, MedGen C0393706, MONDO:0800491.

Allele frequency attached by ClinVar (database versions not stated): TOPMed below 0.00001; gnomAD 0.00001.
gnomAD v4.1: 2 of 1,613,234 alleles (0.00012%); highest among the groups gnomAD compares: African/African-American, 0.0013%; no homozygotes.

Submission:

Labcorp Genetics (formerly Invitae), Labcorp
Classification: Uncertain significance for Early-infantile DEE. Last evaluated: 2023-08-04. Review status: criteria provided, single submitter. Criteria: Invitae Variant Classification Sherloc (09022015). Collection method: clinical testing. Allele origin: germline.
Comment: Variants that disrupt the consensus splice site are a relatively common cause of aberrant splicing (PMID: 17576681, 9536098). Algorithms developed to predict the effect of sequence changes on RNA splicing suggest that this variant may create or strengthen a splice site. ClinVar contains an entry for this variant (Variation ID: 845034). This variant has not been reported in the literature in individuals affected with SCN1A-related conditions. This variant is not present in population databases (gnomAD no frequency). This sequence change falls in intron 8 of the SCN1A gene. It does not directly change the encoded amino acid sequence of the SCN1A protein. It affects a nucleotide within the consensus splice site. This variant disrupts the c.1170+3G nucleotide in the SCN1A gene. Other variant(s) that disrupt this nucleotide have been determined to be pathogenic (PMID: 29408779). This suggests that this nucleotide is clinically significant, and that variants that disrupt this position are likely to be disease-causing. In summary, the available evidence is currently insufficient to determine the role of this variant in disease. Therefore, it has been classified as a Variant of Uncertain Significance.

Literature cited by the submitters: PubMed 17576681; PubMed 9536098; PubMed 29408779.